The following is an entry in ClinVar:

ClinVar aggregate classification (germline): Uncertain significance (1 of 4 stars; one submission).

Conditions:
Hereditary cancer-predisposing syndrome. Also called: Hereditary Cancer Syndrome; Hereditary neoplastic syndrome; Neoplastic Syndromes, Hereditary; Tumor predisposition. Identifiers: Orphanet 140162, MedGen C0027672, MeSH D009386, MONDO:0015356.

Submission:

Ambry Genetics
Classification: Uncertain significance for Hereditary cancer-predisposing syndrome. Last evaluated: 2020-02-20. Review status: criteria provided, single submitter. Criteria: Ambry Variant Classification Scheme 2023. Collection method: clinical testing. Allele origin: germline.
Comment: The p.L196R variant (also known as c.587T>G), located in coding exon 3 of the SMARCA4 gene, results from a T to G substitution at nucleotide position 587. The leucine at codon 196 is replaced by arginine, an amino acid with dissimilar properties. This amino acid position is highly conserved in available vertebrate species. In addition, this alteration is predicted to be deleterious by in silico analysis. Since supporting evidence is limited at this time, the clinical significance of this alteration remains unclear.

NM_003072.5(SMARCA4):c.587T>G (p.Leu196Arg)

Gene: SMARCA4 (SWI/SNF related BAF chromatin remodeling complex subunit ATPase 4; plus strand). Cytogenetic location: 19p13.2.
Variant type: single nucleotide variant.
Coding change: c.587T>G on transcript NM_003072.5 (MANE Select); coding-DNA position 587, T replaced by G.
Protein change: p.Leu196Arg; replaces leucine 196 with arginine.
Molecular consequence: missense variant. On other transcripts: non-coding transcript variant (1).
Genome position (GRCh38, 1-based): chr19:10,986,420, T>G. VCF-style: chr19-10986420-T-G. GRCh37 (hg19) VCF-style: chr19-11097096-T-G.
Other names: c.587T>G, p.Leu196Arg (NM_001128844.3, NM_001128845.2, NM_001128846.2 and 6 more transcripts); short protein forms L196R.
Identifiers: ClinVar variation 1750259 (VCV001750259.2), dbSNP rs2145779476, ClinGen allele CA404056479.
Genomic context (GRCh38, chr19:10,986,420, plus strand): 5'-AGCTGCACCAGCTCAGAGCTCAGATCATGGCCTACAAGATGCTGGCCAGGGGGCAGCCCC[T>G]CCCCGACCACCTGCAGATGGCGGTGCAGGGCAAGCGGCCGATGCCCGGGATGCAGCAGCA-3'
Protein context (NP_003063.2, residues 186-206): AYKMLARGQP[Leu196Arg]PDHLQMAVQG